The following is an entry in ClinVar:

ClinVar aggregate classification (germline): Conflicting classifications of pathogenicity. Review status: criteria provided, conflicting classifications (1 of 4 stars). 4 submissions from 4 submitters: Uncertain significance (1); Likely benign (2). 1 of the submissions does not count toward it. Last evaluated 2026-01-15.

Conditions:
Norman-Roberts syndrome (LIS2). Also called: Lissencephaly 2 (Norman-Roberts type). Identifiers: Orphanet 89844, MedGen C0796089, MONDO:0009760, OMIM 257320.
Familial temporal lobe epilepsy 7. Identifiers: Orphanet 101046, MedGen C4225327, MONDO:0014639, OMIM 616436.
Inborn genetic diseases. Identifiers: MedGen C0950123, MeSH D030342.
RELN-related disorder. Also called: RELN-related condition.

Allele frequency attached by ClinVar (database versions not stated): gnomAD exomes below 0.00001; 1000 Genomes Project 0.00020; 1000 Genomes Project 30x 0.00016; ExAC 0.00001; gnomAD 0.00003; TOPMed 0.00009.
gnomAD v4.1: 9 of 1,613,928 alleles (0.00056%); highest among the groups gnomAD compares: African/African-American, 0.0093%; no homozygotes.

Submissions (4):

Dasa
Classification: Likely benign. Last evaluated: 2026-01-15. Review status: criteria provided, single submitter. Criteria: DASA Assertion Criteria. Collection method: clinical testing. Allele origin: germline.
Comment: NM_005045.4(RELN):c.5455G>C (p.Glu1819Gln) is a missense variant that results in the substitution of glutamic acid with glutamine. Multiple computational predictions suggest no deleterious effect on the gene or gene product. The variant is present at low frequency in population datasets. Based on the available data, this variant is classified as likely benign.

Ambry Genetics
Classification: Uncertain significance for Inborn genetic diseases. Last evaluated: 2025-12-04. Review status: criteria provided, single submitter. Criteria: Ambry Variant Classification Scheme 2023. Collection method: clinical testing. Allele origin: germline.
Comment: The c.5455G>C (p.E1819Q) alteration is located in exon 36 (coding exon 36) of the RELN gene. This alteration results from a G to C substitution at nucleotide position 5455, causing the glutamic acid (E) at amino acid position 1819 to be replaced by a glutamine (Q). Based on data from gnomAD, the C allele has an overall frequency of <0.001% (1/251266) total alleles studied. The highest observed frequency was 0.006% (1/16254) of African alleles. Based on insufficient or conflicting evidence, the clinical significance of this alteration remains unclear.

Labcorp Genetics (formerly Invitae), Labcorp
Classification: Likely benign for Familial temporal lobe epilepsy 7; Norman-Roberts syndrome. Last evaluated: 2025-05-27. Review status: criteria provided, single submitter. Criteria: Invitae Variant Classification Sherloc (09022015). Collection method: clinical testing. Allele origin: germline.

PreventionGenetics, part of Exact Sciences
Classification: Uncertain significance for RELN-related condition. Last evaluated: 2024-01-05. Review status: no assertion criteria provided. Collection method: clinical testing. Allele origin: germline. Not counted in ClinVar's aggregate classification.
Comment: The RELN c.5455G>C variant is predicted to result in the amino acid substitution p.Glu1819Gln. To our knowledge, this variant has not been reported in the literature. This variant is reported in 0.0062% of alleles in individuals of African descent in gnomAD and is interpreted as likely benign in ClinVar. At this time, the clinical significance of this variant is uncertain due to the absence of conclusive functional and genetic evidence.

NM_005045.4(RELN):c.5455G>C (p.Glu1819Gln)

Gene: RELN (reelin; minus strand). Cytogenetic location: 7q22.1.
Variant type: single nucleotide variant.
Coding change: c.5455G>C on transcript NM_005045.4 (MANE Select); coding-DNA position 5455, G replaced by C.
Protein change: p.Glu1819Gln; replaces glutamic acid 1819 with glutamine.
Molecular consequence: missense variant.
Genome position (GRCh38, 1-based): chr7:103,561,606, C>G on the plus strand (G>C on the coding strand, the complement: RELN is on the minus strand). VCF-style: chr7-103561606-C-G. GRCh37 (hg19) VCF-style: chr7-103202053-C-G.
Other names: c.5455G>C, p.Glu1819Gln (NM_173054.3); short protein forms E1819Q.
Identifiers: ClinVar variation 965903 (VCV000965903.14), dbSNP rs201017713, ClinGen allele CA4421201.